The following is an entry in ClinVar:

NM_001365536.1(SCN9A):c.2664T>G (p.Phe888Leu)

Genes: SCN1A-AS1 (SCN1A and SCN9A antisense RNA 1; plus strand), SCN9A (sodium voltage-gated channel alpha subunit 9; minus strand). Cytogenetic location: 2q24.3.
Variant type: single nucleotide variant.
Coding change: c.2664T>G on transcript NM_001365536.1 (MANE Select); coding-DNA position 2664, T replaced by G.
Protein change: p.Phe888Leu; replaces phenylalanine 888 with leucine.
Molecular consequence: missense variant. On other transcripts: non-coding transcript variant (1).
Genome position (GRCh38, 1-based): chr2:166,277,193, A>C on the plus strand (T>G on the coding strand, the complement: SCN9A is on the minus strand). VCF-style: chr2-166277193-A-C. GRCh37 (hg19) VCF-style: chr2-167133703-A-C.
Other names: c.2631T>G, p.Phe877Leu (NM_002977.4); short protein forms F888L, F877L.
Identifiers: ClinVar variation 1512958 (VCV001512958.6), dbSNP rs1315660408, ClinGen allele CA349077851.

ClinVar aggregate classification (germline): Uncertain significance (1 of 4 stars; one submission).

Conditions:
Neuropathy, hereditary sensory and autonomic, type 2A (HSAN2A). Also called: HSAN IIA; WNK1-Related HSAN2 (HSAN2A); NEUROPATHY, CONGENITAL SENSORY; NEUROPATHY, HEREDITARY SENSORY RADICULAR, AUTOSOMAL RECESSIVE; NEUROPATHY, HEREDITARY SENSORY, TYPE IIA; NEUROPATHY, PROGRESSIVE SENSORY, OF CHILDREN. Identifiers: Orphanet 970, MedGen C2752089, MONDO:0024309, OMIM 201300.
Generalized epilepsy with febrile seizures plus, type 7 (GEFSP7). Also called: GEFS+, TYPE 7. Identifiers: Orphanet 36387, MedGen C2751778, MONDO:0013470, OMIM 613863.

Allele frequency attached by ClinVar (database versions not stated): gnomAD 0.00001.

Submission:

Labcorp Genetics (formerly Invitae), Labcorp
Classification: Uncertain significance for Neuropathy, hereditary sensory and autonomic, type 2A; Generalized epilepsy with febrile seizures plus, type 7. Last evaluated: 2021-08-15. Review status: criteria provided, single submitter. Criteria: Invitae Variant Classification Sherloc (09022015). Collection method: clinical testing. Allele origin: germline.
Comment: This variant has not been reported in the literature in individuals affected with SCN9A-related conditions. In summary, the available evidence is currently insufficient to determine the role of this variant in disease. Therefore, it has been classified as a Variant of Uncertain Significance. Algorithms developed to predict the effect of missense changes on protein structure and function are either unavailable or do not agree on the potential impact of this missense change (SIFT: "Deleterious"; PolyPhen-2: "Benign"; Align-GVGD: "Class C15"). This variant is not present in population databases (ExAC no frequency). This sequence change replaces phenylalanine with leucine at codon 877 of the SCN9A protein (p.Phe877Leu). The phenylalanine residue is highly conserved and there is a small physicochemical difference between phenylalanine and leucine.